The following is an entry in ClinVar:

NM_004936.4(CDKN2B):c.121A>G (p.Asn41Asp)

Genes: CDKN2B (cyclin dependent kinase inhibitor 2B; minus strand), CDKN2B-AS1 (CDKN2B and CDKN2A antisense cis and trans regulatory RNA 1; plus strand), LOC130001608 (ATAC-STARR-seq lymphoblastoid silent region 19815; plus strand). Cytogenetic location: 9p21.3.
Variant type: single nucleotide variant.
Coding change: c.121A>G on transcript NM_004936.4 (MANE Select); coding-DNA position 121, A replaced by G.
Protein change: p.Asn41Asp; replaces asparagine 41 with aspartic acid.
Molecular consequence: missense variant.
Genome position (GRCh38, 1-based): chr9:22,008,833, T>C on the plus strand (A>G on the coding strand, the complement: CDKN2B is on the minus strand). VCF-style: chr9-22008833-T-C. GRCh37 (hg19) VCF-style: chr9-22008832-T-C.
Other names: c.121A>G, p.Asn41Asp (NM_078487.2); short protein forms N41D.
Identifiers: ClinVar variation 2659131 (VCV002659131.24), dbSNP rs369983875, ClinGen allele CA5012585.
Genomic context (GRCh38, chr9:22,008,833, plus strand): 5'-GGCGAGGCCCTGGGGCCCCAGCTACCTGGATCGCGCGCCTCCCGAAACGGTTGACTCCGT[T>C]GGGATCCGCGCCGGCTTCCAGGAGCTGTCGCACCTTCTCCACTAGTCCCCGCGCCGCGGC-3'
Protein context (NP_004927.2, residues 31-51): RQLLEAGADP[Asn41Asp]GVNRFGRRAI

ClinVar aggregate classification (germline): Uncertain significance (1 of 4 stars; one submission).

Allele frequency attached by ClinVar (database versions not stated): ExAC 0.00005; ESP Exome Variant Server 0.00015; gnomAD 0.00029; 1000 Genomes Project 30x 0.00031; 1000 Genomes Project 0.00040; TOPMed 0.00040.
gnomAD v4.1: 79 of 1,608,860 alleles (0.0049%); highest among the groups gnomAD compares: African/African-American, 0.081%; no homozygotes.

Submission:

CeGaT Center for Human Genetics Tuebingen
Classification: Uncertain significance. Last evaluated: 2022-10-01. Review status: criteria provided, single submitter. Criteria: CeGaT Center For Human Genetics Tuebingen Variant Classification Criteria Version 2. Collection method: clinical testing. Allele origin: germline. Affected: yes. Observed: 1 variant allele.
Comment: CDKN2B: PS3:Moderate